The following is an entry in ClinVar:

NM_002334.4(LRP4):c.278A>G (p.Asp93Gly)

Gene: LRP4 (LDL receptor related protein 4; minus strand). Cytogenetic location: 11p11.2.
Variant type: single nucleotide variant.
Coding change: c.278A>G on transcript NM_002334.4 (MANE Select); coding-DNA position 278, A replaced by G.
Protein change: p.Asp93Gly; replaces aspartic acid 93 with glycine.
Molecular consequence: missense variant.
Genome position (GRCh38, 1-based): chr11:46,900,300, T>C on the plus strand (A>G on the coding strand, the complement: LRP4 is on the minus strand). VCF-style: chr11-46900300-T-C. GRCh37 (hg19) VCF-style: chr11-46921851-T-C.
Other names: short protein forms D93G.
Identifiers: ClinVar variation 1309773 (VCV001309773.3), dbSNP rs1231831456, ClinGen allele CA380290259.

ClinVar aggregate classification (germline): Uncertain significance. Review status: criteria provided, multiple submitters, no conflicts (2 of 4 stars). 2 submissions from 2 submitters: Uncertain significance (2). Last evaluated 2025-09-24.

Conditions:
Inborn genetic diseases. Identifiers: MedGen C0950123, MeSH D030342.

Allele frequency attached by ClinVar (database versions not stated): TOPMed below 0.00001; gnomAD 0.00001.

Submissions (2):

Ambry Genetics
Classification: Uncertain significance for Inborn genetic diseases. Last evaluated: 2025-09-24. Review status: criteria provided, single submitter. Criteria: Ambry Variant Classification Scheme 2023. Collection method: clinical testing. Allele origin: germline.

GeneDx
Classification: Uncertain significance. Last evaluated: 2019-10-29. Review status: criteria provided, single submitter. Criteria: GeneDx Variant Classification Process June 2021. Collection method: clinical testing. Allele origin: germline. Affected: yes.
Comment: Has not been previously published as pathogenic or benign to our knowledge; Not observed in large population cohorts (Lek et al., 2016); In silico analysis, which includes protein predictors and evolutionary conservation, supports a deleterious effect